The following is an entry in ClinVar:

NM_001031710.3(KLHL7):c.1504G>A (p.Asp502Asn)

Gene: KLHL7 (kelch like family member 7; plus strand). Cytogenetic location: 7p15.3.
Variant type: single nucleotide variant.
Coding change: c.1504G>A on transcript NM_001031710.3 (MANE Select); coding-DNA position 1504, G replaced by A.
Protein change: p.Asp502Asn; replaces aspartic acid 502 with asparagine.
Molecular consequence: missense variant. On other transcripts: non-coding transcript variant (1).
Genome position (GRCh38, 1-based): chr7:23,174,041, G>A. VCF-style: chr7-23174041-G-A. GRCh37 (hg19) VCF-style: chr7-23213660-G-A.
Other names: c.1360G>A, p.Asp454Asn (NM_018846.5); short protein forms D502N, D454N.
Identifiers: ClinVar variation 861029 (VCV000861029.7), dbSNP rs1167490011, ClinGen allele CA366982399.

ClinVar aggregate classification (germline): Uncertain significance (1 of 4 stars; one submission).

Allele frequency attached by ClinVar (database versions not stated): TOPMed 0.00001.
gnomAD v4.1: 7 of 1,614,044 alleles (0.00043%); highest among the groups gnomAD compares: Non-Finnish European, 0.00059%; no homozygotes.

Submission:

Labcorp Genetics (formerly Invitae), Labcorp
Classification: Uncertain significance. Last evaluated: 2025-01-23. Review status: criteria provided, single submitter. Criteria: Invitae Variant Classification Sherloc (09022015). Collection method: clinical testing. Allele origin: germline.
Comment: This sequence change replaces aspartic acid, which is acidic and polar, with asparagine, which is neutral and polar, at codon 502 of the KLHL7 protein (p.Asp502Asn). This variant is not present in population databases (gnomAD no frequency). This missense change has been observed in individual(s) with clinical features of KLHL7-related conditions (internal data). ClinVar contains an entry for this variant (Variation ID: 861029). An algorithm developed to predict the effect of missense changes on protein structure and function (PolyPhen-2) suggests that this variant is likely to be tolerated. In summary, the available evidence is currently insufficient to determine the role of this variant in disease. Therefore, it has been classified as a Variant of Uncertain Significance.